The following is an entry in ClinVar:

NM_015629.4(PRPF31):c.1385T>C (p.Ile462Thr)

Gene: PRPF31 (pre-mRNA processing factor 31; plus strand). Cytogenetic location: 19q13.42.
Variant type: single nucleotide variant.
Coding change: c.1385T>C on transcript NM_015629.4 (MANE Select); coding-DNA position 1385, T replaced by C.
Protein change: p.Ile462Thr; replaces isoleucine 462 with threonine.
Molecular consequence: missense variant.
Genome position (GRCh38, 1-based): chr19:54,131,317, T>C. VCF-style: chr19-54131317-T-C. GRCh37 (hg19) VCF-style: chr19-54634748-T-C.
Other names: short protein forms I462T.
Identifiers: ClinVar variation 2780747 (VCV002780747.3), dbSNP rs2074042764, ClinGen allele CA407756512.

ClinVar aggregate classification (germline): Uncertain significance (1 of 4 stars; one submission).

Allele frequency attached by ClinVar (database versions not stated): gnomAD exomes below 0.00001; gnomAD 0.00001.
gnomAD v4.1: 2 of 1,613,828 alleles (0.00012%); highest among the groups gnomAD compares: Non-Finnish European, 0.00017%; no homozygotes.

Submission:

Labcorp Genetics (formerly Invitae), Labcorp
Classification: Uncertain significance. Last evaluated: 2023-02-03. Review status: criteria provided, single submitter. Criteria: Invitae Variant Classification Sherloc (09022015). Collection method: clinical testing. Allele origin: germline.
Comment: This sequence change replaces isoleucine, which is neutral and non-polar, with threonine, which is neutral and polar, at codon 462 of the PRPF31 protein (p.Ile462Thr). This variant is not present in population databases (gnomAD no frequency). In summary, the available evidence is currently insufficient to determine the role of this variant in disease. Therefore, it has been classified as a Variant of Uncertain Significance. Algorithms developed to predict the effect of missense changes on protein structure and function (SIFT, PolyPhen-2, Align-GVGD) all suggest that this variant is likely to be disruptive. This variant has not been reported in the literature in individuals affected with PRPF31-related conditions.